The following is an entry in ClinVar:

NM_001267550.2(TTN):c.80720C>A (p.Pro26907Gln)

Genes: TTN (titin; minus strand), TTN-AS1 (TTN antisense RNA 1; plus strand). Cytogenetic location: 2q31.2.
Variant type: single nucleotide variant.
Coding change: c.80720C>A on transcript NM_001267550.2 (MANE Select); coding-DNA position 80720, C replaced by A.
Protein change: p.Pro26907Gln; replaces proline 26907 with glutamine.
Molecular consequence: missense variant.
Genome position (GRCh38, 1-based): chr2:178,565,412, G>T on the plus strand (C>A on the coding strand, the complement: TTN is on the minus strand). VCF-style: chr2-178565412-G-T. GRCh37 (hg19) VCF-style: chr2-179430139-G-T.
Other names: p.P25266Q:CCA>CAA; c.80720C>A (NM_001267550.1); c.75797C>A, p.Pro25266Gln (NM_001256850.1); c.53525C>A, p.Pro17842Gln (NM_003319.4); c.73016C>A, p.Pro24339Gln (NM_133378.4); c.53900C>A, p.Pro17967Gln (NM_133432.3); c.54101C>A, p.Pro18034Gln (NM_133437.4); short protein forms P25266Q, P26907Q, P24339Q, P17967Q, P17842Q, P18034Q.
Identifiers: ClinVar variation 202901 (VCV000202901.13), dbSNP rs375693686, ClinGen allele CA310635.

ClinVar aggregate classification (germline): Conflicting classifications of pathogenicity. Review status: criteria provided, conflicting classifications (1 of 4 stars). 5 submissions from 5 submitters: Uncertain significance (4); Likely benign (1). Last evaluated 2026-03-18.

Conditions:
TTN-related disorder. Also called: TTN-related condition; TTN-related disease; TTN-related disorders.

Allele frequency attached by ClinVar (database versions not stated): ExAC 0.00001; gnomAD exomes 0.00001; gnomAD 0.00005 and 0.00006; TOPMed 0.00005; ESP Exome Variant Server 0.00017.
gnomAD v4.1: 18 of 1,613,332 alleles (0.0011%); highest among the groups gnomAD compares: African/African-American, 0.023%; no homozygotes.

Submissions (5):

PreventionGenetics, part of Exact Sciences
Classification: Uncertain significance for TTN-related condition. Last evaluated: 2026-03-18. Review status: criteria provided, single submitter. Criteria: ACMG Guidelines, 2015. Collection method: clinical testing. Allele origin: germline.
Comment: The TTN c.80720C>A variant is predicted to result in the amino acid substitution p.Pro26907Gln. To our knowledge, this variant has not been reported in the literature. This variant is reported in 0.025% of alleles in individuals of African descent in gnomAD. At this time, the clinical significance of this variant is uncertain due to the absence of conclusive functional and genetic evidence.

Revvity Omics, Revvity
Classification: Uncertain significance. Last evaluated: 2021-11-18. Review status: criteria provided, single submitter. Criteria: ACMG Guidelines, 2015. Collection method: clinical testing. Allele origin: germline.

Athena Diagnostics
Classification: Uncertain significance. Last evaluated: 2021-07-22. Review status: criteria provided, single submitter. Criteria: Athena Diagnostics Criteria. Collection method: clinical testing. Allele origin: unknown.

GeneDx
Classification: Likely benign. Last evaluated: 2019-10-14. Review status: criteria provided, single submitter. Criteria: GeneDx Variant Classification Process June 2021. Collection method: clinical testing. Allele origin: germline. Affected: yes.

Eurofins Ntd Llc (ga)
Classification: Uncertain significance. Last evaluated: 2018-08-24. Review status: criteria provided, single submitter. Criteria: EGL ClinVar v180209 classification definitions. Collection method: clinical testing. Allele origin: germline. Observed: 1 variant allele, 1 heterozygote.